The following is an entry in ClinVar:

NM_001458.5(FLNC):c.4488T>C (p.Asn1496=)

Gene: FLNC (filamin C; plus strand). Cytogenetic location: 7q32.1.
Variant type: single nucleotide variant.
Coding change: c.4488T>C on transcript NM_001458.5 (MANE Select); coding-DNA position 4488, T replaced by C.
Protein change: p.Asn1496=; no amino-acid change (asparagine 1496 retained).
Molecular consequence: synonymous variant.
Genome position (GRCh38, 1-based): chr7:128,847,976, T>C. VCF-style: chr7-128847976-T-C. GRCh37 (hg19) VCF-style: chr7-128488030-T-C.
Other names: p.Asn1496=; c.4488T>C, p.Asn1496= (NM_001127487.2).
Identifiers: ClinVar variation 501268 (VCV000501268.59), dbSNP rs377258966, ClinGen allele CA4475359.
Genomic context (GRCh38, chr7:128,847,976, plus strand): 5'-GCTCTGCTGACCCTGTGCCCCTTGCCCAGGTGTGGCCGAGCCTGTGGAGGTGCGGGACAA[T>C]GGAGATGGCACCCACACTGTCCACTACACCCCAGCCACTGACGGGCCCTACACGGTAGCC-3'
Protein context (NP_001449.3, residues 1486-1506): GVAEPVEVRD[Asn1496=]GDGTHTVHYT

ClinVar aggregate classification (germline): Conflicting classifications of pathogenicity. Review status: criteria provided, conflicting classifications (1 of 4 stars). 11 submissions from 11 submitters: Uncertain significance (1); Benign (1); Likely benign (6). 3 of the submissions do not count toward it. Last evaluated 2026-03-01.

Conditions:
Cardiovascular phenotype. Identifiers: MedGen CN230736.
FLNC-related disorder. Also called: FLNC-related disorders; FLNC-related condition.
Distal myopathy with posterior leg and anterior hand involvement. Also called: WILLIAMS DISTAL MYOPATHY. Identifiers: Orphanet 63273, MedGen C3279722, MONDO:0013550, OMIM 614065.
Hypertrophic cardiomyopathy 26. Also called: Cardiomyopathy, familial hypertrophic, 26. Identifiers: Orphanet 75249, MedGen C4310749, MONDO:0014883, OMIM 617047.
Myofibrillar myopathy 5. Also called: Filaminopathy (type); FILAMINOPATHY, AUTOSOMAL DOMINANT. Identifiers: Orphanet 171445, MedGen C1836050, MONDO:0012289, OMIM 609524.

Allele frequency attached by ClinVar (database versions not stated): ESP Exome Variant Server 0.00008; gnomAD 0.00008 and 0.00010; TOPMed 0.00009; gnomAD exomes 0.00010 and 0.00014; ExAC 0.00019.
gnomAD v4.1: 171 of 1,612,624 alleles (0.011%); highest among the groups gnomAD compares: Middle Eastern, 0.38%; 2 homozygotes.

Submissions (11):

CeGaT Center for Human Genetics Tuebingen
Classification: Likely benign. Last evaluated: 2026-03-01. Review status: criteria provided, single submitter. Criteria: CeGaT Center For Human Genetics Tuebingen Variant Classification Criteria Version 2. Collection method: clinical testing. Allele origin: germline. Affected: yes. Observed: 7 variant alleles.
Comment: FLNC: BP4, BP7

Labcorp Genetics (formerly Invitae), Labcorp
Classification: Likely benign for Distal myopathy with posterior leg and anterior hand involvement; Myofibrillar myopathy 5; Hypertrophic cardiomyopathy 26. Last evaluated: 2026-01-28. Review status: criteria provided, single submitter. Criteria: Invitae Variant Classification Sherloc (09022015). Collection method: clinical testing. Allele origin: germline.

Mayo Clinic Laboratories, Mayo Clinic
Classification: Likely benign. Last evaluated: 2025-10-22. Review status: criteria provided, single submitter. Criteria: ACMG Guidelines, 2015. Collection method: clinical testing. Allele origin: germline. Observed: 1 variant allele.
Comment: BS1, BP4, BP7

Blueprint Genetics
Classification: Likely benign. Last evaluated: 2024-11-15. Review status: criteria provided, single submitter. Criteria: ACMG Guidelines, 2015. Collection method: clinical testing. Allele origin: germline.

Women's Health and Genetics/Laboratory Corporation of America, LabCorp
Classification: Benign. Last evaluated: 2023-05-28. Review status: criteria provided, single submitter. Criteria: LabCorp Variant Classification Summary - May 2015. Collection method: clinical testing. Allele origin: germline.

GeneDx
Classification: Likely benign. Last evaluated: 2021-10-30. Review status: criteria provided, single submitter. Criteria: GeneDx Variant Classification Process June 2021. Collection method: clinical testing. Allele origin: germline. Affected: yes.

Ambry Genetics
Classification: Likely benign for Cardiovascular phenotype. Last evaluated: 2019-10-11. Review status: criteria provided, single submitter. Criteria: Ambry Variant Classification Scheme 2023. Collection method: clinical testing. Allele origin: germline.

Eurofins Ntd Llc (ga)
Classification: Uncertain significance. Last evaluated: 2017-04-19. Review status: criteria provided, single submitter. Criteria: EGL Classification Definitions 2015. Collection method: clinical testing. Allele origin: germline. Observed: 1 variant allele, 1 heterozygote.

PreventionGenetics, part of Exact Sciences
Classification: Likely benign for FLNC-related condition. Last evaluated: 2021-01-27. Review status: no assertion criteria provided. Collection method: clinical testing. Allele origin: germline. Not counted in ClinVar's aggregate classification.
Comment: This variant is classified as likely benign based on ACMG/AMP sequence variant interpretation guidelines (Richards et al. 2015 PMID: 25741868, with internal and published modifications).

Clinical Genetics, Academic Medical Center
Classification: Benign. Review status: no assertion criteria provided. Collection method: clinical testing. Allele origin: germline. Affected: yes. Study: VKGL Data-share Consensus. Not counted in ClinVar's aggregate classification.

Joint Genome Diagnostic Labs from Nijmegen and Maastricht, Radboudumc and MUMC+
Classification: Likely benign. Review status: no assertion criteria provided. Collection method: clinical testing. Allele origin: germline. Affected: yes. Study: VKGL Data-share Consensus. Not counted in ClinVar's aggregate classification.